The following is an entry in ClinVar:

ClinVar aggregate classification (germline): Benign. Review status: criteria provided, multiple submitters, no conflicts (2 of 4 stars). 9 submissions from 9 submitters: Benign (8). 1 of the submissions does not count toward it. Last evaluated 2026-02-04.

Conditions:
Deficiency of acetyl-CoA acetyltransferase. Also called: 3-OXOTHIOLASE DEFICIENCY; Beta-ketothiolase deficiency; 3-KETOTHIOLASE DEFICIENCY; MITOCHONDRIAL ACETOACETYL-CoA THIOLASE DEFICIENCY. Identifiers: Orphanet 134, MedGen C1536500, MONDO:0008760, OMIM 203750. Disease mechanism: loss of function.

Allele frequency attached by ClinVar (database versions not stated): 1000 Genomes Project 0.12700; 1000 Genomes Project 30x 0.13148; gnomAD exomes 0.15082 and 0.17130; ExAC 0.15550; TOPMed 0.16214; gnomAD 0.16483 and 0.16806; ESP Exome Variant Server 0.18180.
gnomAD v4.1: 274,746 of 1,613,768 alleles (17%); highest among the groups gnomAD compares: African/African-American, 20%; 24,260 homozygotes.

Submissions (9):

Labcorp Genetics (formerly Invitae), Labcorp
Classification: Benign for Deficiency of acetyl-CoA acetyltransferase. Last evaluated: 2026-02-04. Review status: criteria provided, single submitter. Criteria: Invitae Variant Classification Sherloc (09022015). Collection method: clinical testing. Allele origin: germline.

Mayo Clinic Laboratories, Mayo Clinic
Classification: Benign. Last evaluated: 2022-03-10. Review status: criteria provided, single submitter. Criteria: ACMG Guidelines, 2015. Collection method: clinical testing. Allele origin: germline. Observed: 24 variant alleles.

Fulgent Genetics
Classification: Benign for Deficiency of acetyl-CoA acetyltransferase. Last evaluated: 2021-07-19. Review status: criteria provided, single submitter. Criteria: ACMG Guidelines, 2015. Collection method: clinical testing. Allele origin: unknown.

Genome-Nilou Lab
Classification: Benign for Deficiency of acetyl-CoA acetyltransferase. Last evaluated: 2021-07-01. Review status: criteria provided, single submitter. Criteria: ACMG Guidelines, 2015. Collection method: clinical testing. Allele origin: germline. Affected: no.

Illumina Laboratory Services, Illumina
Classification: Benign for Deficiency of acetyl-CoA acetyltransferase. Last evaluated: 2018-01-13. Review status: criteria provided, single submitter. Criteria: ICSL Variant Classification Criteria 13 December 2019. Collection method: clinical testing. Allele origin: germline.
Comment: This variant was observed in the ICSL laboratory as part of a predisposition screen in an ostensibly healthy population. It had not been previously curated by ICSL or reported in the Human Gene Mutation Database (HGMD: prior to June 1st, 2018), and was therefore a candidate for classification through an automated scoring system. Utilizing variant allele frequency, disease prevalence and penetrance estimates, and inheritance mode, an automated score was calculated to assess if this variant is too frequent to cause the disease. Based on the score and internal cut-off values, a variant classified as benign is not then subjected to further curation. The score for this variant resulted in a classification of benign for this disease.

GeneDx
Classification: Benign. Last evaluated: 2015-03-03. Review status: criteria provided, single submitter. Criteria: GeneDx Variant Classification Process June 2021. Collection method: clinical testing. Allele origin: germline. Affected: yes.

Eurofins Ntd Llc (ga)
Classification: Benign. Last evaluated: 2014-09-17. Review status: criteria provided, single submitter. Criteria: EGL Classification Definitions 2015. Collection method: clinical testing. Allele origin: germline. Observed: 29 variant alleles, 25 heterozygotes, 4 homozygotes.

Breakthrough Genomics
Classification: Benign. Review status: criteria provided, single submitter. Criteria: ACMG Guidelines, 2015. Collection method: not provided. Allele origin: germline. Inheritance: Autosomal recessive inheritance. Affected: yes.

Natera, Inc.
Classification: Benign for Alpha-methylacetoacetic aciduria. Last evaluated: 2019-11-20. Review status: no assertion criteria provided. Collection method: clinical testing. Allele origin: germline. Not counted in ClinVar's aggregate classification.

NM_000019.4(ACAT1):c.471C>A (p.Ser157=)

Gene: ACAT1 (acetyl-CoA acetyltransferase 1; plus strand). Cytogenetic location: 11q22.3.
Variant type: single nucleotide variant.
Coding change: c.471C>A on transcript NM_000019.4 (MANE Select); coding-DNA position 471, C replaced by A.
Protein change: p.Ser157=; no amino-acid change (serine 157 retained).
Molecular consequence: synonymous variant.
Genome position (GRCh38, 1-based): chr11:108,138,933, C>A. VCF-style: chr11-108138933-C-A. GRCh37 (hg19) VCF-style: chr11-108009660-C-A.
Other names: p.Ser157=; c.471C>A, p.Ser157= (LRG_1400t1).
Identifiers: ClinVar variation 92296 (VCV000092296.27), dbSNP rs35188041, ClinGen allele CA145606.
Genomic context (GRCh38, chr11:108,138,933, plus strand): 5'-GGGTTTTTCTGGTGTTTCTGCGCAGGATGTGATGGTGGCAGGTGGGATGGAGAGCATGTC[C>A]AATGTTCCATATGTAATGAACAGAGGATCAACACCATATGGTGGGGTAAAGCTTGAAGAT-3'
Protein context (NP_000010.1, residues 147-167): VMVAGGMESM[Ser157=]NVPYVMNRGS